The following is an entry in ClinVar:

NM_001257180.2(SLC20A2):c.1784C>T (p.Thr595Met)

Gene: SLC20A2 (solute carrier family 20 member 2; minus strand). Cytogenetic location: 8p11.21.
Variant type: single nucleotide variant.
Coding change: c.1784C>T on transcript NM_001257180.2 (MANE Select); coding-DNA position 1784, C replaced by T.
Protein change: p.Thr595Met; replaces threonine 595 with methionine.
Molecular consequence: missense variant.
Genome position (GRCh38, 1-based): chr8:42,428,768, G>A on the plus strand (C>T on the coding strand, the complement: SLC20A2 is on the minus strand). VCF-style: chr8-42428768-G-A. GRCh37 (hg19) VCF-style: chr8-42286286-G-A.
Other names: c.1784C>T (NM_006749.4); c.1784C>T, p.Thr595Met (NM_001257181.2, NM_006749.5); short protein forms T595M.
Identifiers: ClinVar variation 29797 (VCV000029797.9), dbSNP rs387906654, ClinGen allele CA259655.

ClinVar aggregate classification (germline): Conflicting classifications of pathogenicity. Review status: criteria provided, conflicting classifications (1 of 4 stars). 3 submissions from 3 submitters: Likely pathogenic (1); Uncertain significance (1). 1 of the submissions does not count toward it. Last evaluated 2026-05-29.

Conditions:
Idiopathic basal ganglia calcification 1 (PFBC1A). Also called: Familial Idiopathic Basal Ganglia Calcification 3; Primary Familial Brain Calcification; Familial Idiopathic Basal Ganglia Calcification 2; PRIMARY FAMILIAL BRAIN CALCIFICATION 1A, AUTOSOMAL DOMINANT; Fahr's syndrome; Cerebral calcification nonarteriosclerotic idiopathic adult-onset. Identifiers: Orphanet 1980, MedGen C4551624, MONDO:0024538, OMIM 213600.

Allele frequency attached by ClinVar (database versions not stated): gnomAD exomes below 0.00001; ExAC 0.00001.
gnomAD v4.1: 3 of 1,611,832 alleles (0.00019%); highest among the groups gnomAD compares: Non-Finnish European, 0.00025%; no homozygotes.

Submissions (3):

GeneDx
Classification: Likely pathogenic. Last evaluated: 2026-05-29. Review status: criteria provided, single submitter. Criteria: GeneDx Variant Classification Process June 2021. Collection method: clinical testing. Allele origin: germline.
Comment: Published functional studies demonstrate this variant impairs transporter activity (PMID: 32393577); Not observed at significant frequency in large population cohorts (gnomAD); In silico analysis supports that this missense variant has a deleterious effect on protein structure/function; This variant is associated with the following publications: (PMID: 22327515, 25284758, 30609140, 31754123, 28720798, 36701080, 35236675, 34924120, 35472392, 32393577)

Labcorp Genetics (formerly Invitae), Labcorp
Classification: Uncertain significance. Last evaluated: 2025-01-14. Review status: criteria provided, single submitter. Criteria: Invitae Variant Classification Sherloc (09022015). Collection method: clinical testing. Allele origin: germline.
Comment: This sequence change replaces threonine, which is neutral and polar, with methionine, which is neutral and non-polar, at codon 595 of the SLC20A2 protein (p.Thr595Met). The frequency data for this variant in the population databases is considered unreliable, as metrics indicate poor data quality at this position in the gnomAD database. This missense change has been observed in individuals with primary basal ganglia calcification (PMID: 22327515, 25284758, 30609140). It has also been observed to segregate with disease in related individuals. ClinVar contains an entry for this variant (Variation ID: 29797). Invitae Evidence Modeling of protein sequence and biophysical properties (such as structural, functional, and spatial information, amino acid conservation, physicochemical variation, residue mobility, and thermodynamic stability) has been performed for this missense variant. However, the output from this modeling did not meet the statistical confidence thresholds required to predict the impact of this variant on SLC20A2 protein function. Experimental studies have shown that this missense change affects SLC20A2 function (PMID: 22327515). In summary, the available evidence is currently insufficient to determine the role of this variant in disease. Therefore, it has been classified as a Variant of Uncertain Significance.

OMIM
Classification: Pathogenic for PRIMARY FAMILIAL BRAIN CALCIFICATION 1A, AUTOSOMAL DOMINANT. Last evaluated: 2012-02-12. Review status: no assertion criteria provided. Collection method: literature only. Allele origin: germline. Not counted in ClinVar's aggregate classification.

Literature cited by the submitters: PubMed 22327515 (cited by Labcorp Genetics (formerly Invitae), Labcorp and OMIM); PubMed 25284758 (cited by Labcorp Genetics (formerly Invitae), Labcorp); PubMed 30609140 (cited by Labcorp Genetics (formerly Invitae), Labcorp).